The following is an entry in ClinVar:

NM_003597.5(KLF11):c.1471A>G (p.Lys491Glu)

Gene: KLF11 (KLF transcription factor 11; plus strand). Cytogenetic location: 2p25.1.
Variant type: single nucleotide variant.
Coding change: c.1471A>G on transcript NM_003597.5 (MANE Select); coding-DNA position 1471, A replaced by G.
Protein change: p.Lys491Glu; replaces lysine 491 with glutamic acid.
Molecular consequence: missense variant.
Genome position (GRCh38, 1-based): chr2:10,052,439, A>G. VCF-style: chr2-10052439-A-G. GRCh37 (hg19) VCF-style: chr2-10192566-A-G.
Other names: c.1420A>G, p.Lys474Glu (NM_001177716.2, NM_001177718.2); short protein forms K491E, K474E.
Identifiers: ClinVar variation 3698110 (VCV003698110.2).

ClinVar aggregate classification (germline): Uncertain significance (1 of 4 stars; one submission).

gnomAD v4.1: 1 of 1,614,054 alleles (0.000062%); highest among the groups gnomAD compares: African/African-American, 0.0013%; no homozygotes.

Submission:

Labcorp Genetics (formerly Invitae), Labcorp
Classification: Uncertain significance. Last evaluated: 2024-10-03. Review status: criteria provided, single submitter. Criteria: Invitae Variant Classification Sherloc (09022015). Collection method: clinical testing. Allele origin: germline.
Comment: This sequence change replaces lysine, which is basic and polar, with glutamic acid, which is acidic and polar, at codon 491 of the KLF11 protein (p.Lys491Glu). This variant is not present in population databases (gnomAD no frequency). This variant has not been reported in the literature in individuals affected with KLF11-related conditions. An algorithm developed to predict the effect of missense changes on protein structure and function (PolyPhen-2) suggests that this variant is likely to be tolerated. In summary, the available evidence is currently insufficient to determine the role of this variant in disease. Therefore, it has been classified as a Variant of Uncertain Significance.